The following is an entry in ClinVar:

ClinVar aggregate classification (germline): Uncertain significance. Review status: criteria provided, multiple submitters, no conflicts (2 of 4 stars). 2 submissions from 2 submitters: Uncertain significance (2). Last evaluated 2022-08-10.

Conditions:
Ehlers-Danlos syndrome, classic type, 1 (EDSCL1). Also called: EDS I; Ehlers-Danlos syndrome, type 1; EHLERS-DANLOS SYNDROME, GRAVIS TYPE; EHLERS-DANLOS SYNDROME, SEVERE CLASSIC TYPE; Ehlers-Danlos Syndrome, Classic Type, COL5A1-Related. Identifiers: MedGen C0268335, MONDO:0019567, OMIM 130000.

Submissions (2):

Greenwood Genetic Center Diagnostic Laboratories, Greenwood Genetic Center
Classification: Uncertain significance. Last evaluated: 2022-08-10. Review status: criteria provided, single submitter. Criteria: ACMG Guidelines, 2015. Collection method: clinical testing. Allele origin: germline. Affected: yes.
Comment: PM2 PP3

Labcorp Genetics (formerly Invitae), Labcorp
Classification: Uncertain significance for Ehlers-Danlos syndrome, classic type, 1. Last evaluated: 2022-05-24. Review status: criteria provided, single submitter. Criteria: Invitae Variant Classification Sherloc (09022015). Collection method: clinical testing. Allele origin: germline.
Comment: This sequence change replaces glycine, which is neutral and non-polar, with cysteine, which is neutral and slightly polar, at codon 1128 of the COL5A2 protein (p.Gly1128Cys). This variant is not present in population databases (gnomAD no frequency). This variant has not been reported in the literature in individuals affected with COL5A2-related conditions. Advanced modeling of protein sequence and biophysical properties (such as structural, functional, and spatial information, amino acid conservation, physicochemical variation, residue mobility, and thermodynamic stability) performed at Invitae indicates that this missense variant is expected to disrupt COL5A2 protein function. In summary, the available evidence is currently insufficient to determine the role of this variant in disease. Therefore, it has been classified as a Variant of Uncertain Significance.

NM_000393.5(COL5A2):c.3382G>T (p.Gly1128Cys)

Gene: COL5A2 (collagen type V alpha 2 chain; minus strand). Cytogenetic location: 2q32.2.
Variant type: single nucleotide variant.
Coding change: c.3382G>T on transcript NM_000393.5 (MANE Select); coding-DNA position 3382, G replaced by T.
Protein change: p.Gly1128Cys; replaces glycine 1128 with cysteine.
Molecular consequence: missense variant.
Genome position (GRCh38, 1-based): chr2:189,043,240, C>A on the plus strand (G>T on the coding strand, the complement: COL5A2 is on the minus strand). VCF-style: chr2-189043240-C-A. GRCh37 (hg19) VCF-style: chr2-189907966-C-A.
Other names: short protein forms G1128C.
Identifiers: ClinVar variation 1710484 (VCV001710484.8), dbSNP rs1250788634, ClinGen allele CA349861057.
Genomic context (GRCh38, chr2:189,043,240, plus strand): 5'-TAAAGCCTCTGTGGCCCTTCTGACCTCTGTCACCTCGGTCTCCATGATCACCTTTGTCAC[C>A]ACGAGGTCCTTGGGGTCCCTAGAAATAGAGATATGGCATGAAAATTACTTGCTACATATT-3'
Protein context (NP_000384.2, residues 1118-1138): RGLPGPQGPR[Gly1128Cys]DKGDHGDRGD